The following is an entry in ClinVar:

ClinVar aggregate classification (germline): Uncertain significance (0 of 4 stars; one submission).

Conditions:
TTC8-related disorder. Also called: TTC8-related condition.

gnomAD v4.1: 1 of 1,613,368 alleles (0.000062%); highest among the groups gnomAD compares: Admixed American, 0.0017%; no homozygotes.

Submission:

PreventionGenetics, part of Exact Sciences
Classification: Uncertain significance for TTC8-related condition. Last evaluated: 2024-05-27. Review status: no assertion criteria provided. Collection method: clinical testing. Allele origin: germline.
Comment: The TTC8 c.144G>C variant is predicted to result in the amino acid substitution p.Gln48His. To our knowledge, this variant has not been reported in the literature. This variant is reported in 0.0029% of alleles in individuals of Latino descent in gnomAD. At this time, the clinical significance of this variant is uncertain due to the absence of conclusive functional and genetic evidence.

NM_144596.4(TTC8):c.144G>C (p.Gln48His)

Gene: TTC8 (tetratricopeptide repeat domain 8; plus strand). Cytogenetic location: 14q31.3.
Variant type: single nucleotide variant.
Coding change: c.144G>C on transcript NM_144596.4 (MANE Select); coding-DNA position 144, G replaced by C.
Protein change: p.Gln48His; replaces glutamine 48 with histidine.
Molecular consequence: missense variant. On other transcripts: intron variant (7).
Genome position (GRCh38, 1-based): chr14:88,833,722, G>C. VCF-style: chr14-88833722-G-C. GRCh37 (hg19) VCF-style: chr14-89300066-G-C.
Other names: c.-448-5730G>C (NM_001288782.1); c.115-5730G>C (NM_001288781.1, NM_198309.3, NM_198310.3 and 2 more transcripts); c.-543-5730G>C (NM_001288783.1); short protein forms Q48H.
Identifiers: ClinVar variation 3357696 (VCV003357696.1).